The following is an entry in ClinVar:

NM_021830.5(TWNK):c.523C>G (p.Leu175Val)

Gene: TWNK (twinkle mtDNA helicase; plus strand). Cytogenetic location: 10q24.31.
Variant type: single nucleotide variant.
Coding change: c.523C>G on transcript NM_021830.5 (MANE Select); coding-DNA position 523, C replaced by G.
Protein change: p.Leu175Val; replaces leucine 175 with valine.
Molecular consequence: missense variant. On other transcripts: non-coding transcript variant (4), intron variant (3).
Genome position (GRCh38, 1-based): chr10:100,988,733, C>G. VCF-style: chr10-100988733-C-G. GRCh37 (hg19) VCF-style: chr10-102748490-C-G.
Other names: c.523C>G, p.Leu175Val (NM_001163812.2); c.-119-911C>G (NM_001163814.2, NM_001163813.2); c.-57-973C>G (NM_001368275.1); short protein forms L175V.
Identifiers: ClinVar variation 2002922 (VCV002002922.4), dbSNP rs2493628830, ClinGen allele CA378207562.

ClinVar aggregate classification (germline): Uncertain significance (1 of 4 stars; one submission).

Allele frequency attached by ClinVar (database versions not stated): gnomAD exomes 0.00001.

Submission:

Labcorp Genetics (formerly Invitae), Labcorp
Classification: Uncertain significance. Last evaluated: 2022-10-06. Review status: criteria provided, single submitter. Criteria: Invitae Variant Classification Sherloc (09022015). Collection method: clinical testing. Allele origin: germline.
Comment: This sequence change replaces leucine, which is neutral and non-polar, with valine, which is neutral and non-polar, at codon 175 of the TWNK protein (p.Leu175Val). In summary, the available evidence is currently insufficient to determine the role of this variant in disease. Therefore, it has been classified as a Variant of Uncertain Significance. Advanced modeling of protein sequence and biophysical properties (such as structural, functional, and spatial information, amino acid conservation, physicochemical variation, residue mobility, and thermodynamic stability) performed at Invitae indicates that this missense variant is not expected to disrupt TWNK protein function. This variant has not been reported in the literature in individuals affected with TWNK-related conditions. This variant is not present in population databases (gnomAD no frequency).